The following is an entry in ClinVar:

ClinVar aggregate classification (germline): Uncertain significance (1 of 4 stars; one submission).

gnomAD v4.1: 1 of 1,614,032 alleles (0.000062%); highest among the groups gnomAD compares: South Asian, 0.0011%; no homozygotes.

Submission:

Labcorp Genetics (formerly Invitae), Labcorp
Classification: Uncertain significance. Last evaluated: 2025-12-02. Review status: criteria provided, single submitter. Criteria: Invitae Variant Classification Sherloc (09022015). Collection method: clinical testing. Allele origin: germline.
Comment: This sequence change replaces methionine, which is neutral and non-polar, with isoleucine, which is neutral and non-polar, at codon 387 of the TNNI3K protein (p.Met387Ile). This variant is not present in population databases (gnomAD no frequency). This variant has not been reported in the literature in individuals affected with TNNI3K-related conditions. Invitae Evidence Modeling of protein sequence and biophysical properties (such as structural, functional, and spatial information, amino acid conservation, physicochemical variation, residue mobility, and thermodynamic stability) indicates that this missense variant is not expected to disrupt TNNI3K protein function with a negative predictive value of 80%. In summary, the available evidence is currently insufficient to determine the role of this variant in disease. Therefore, it has been classified as a Variant of Uncertain Significance.

NM_015978.3(TNNI3K):c.1161G>T (p.Met387Ile)

Genes: FPGT-TNNI3K (FPGT-TNNI3K readthrough; plus strand), TNNI3K (TNNI3 interacting kinase; plus strand). Cytogenetic location: 1p31.1.
Variant type: single nucleotide variant.
Coding change: c.1161G>T on transcript NM_015978.3 (MANE Select); coding-DNA position 1161, G replaced by T.
Protein change: p.Met387Ile; replaces methionine 387 with isoleucine.
Molecular consequence: missense variant.
Genome position (GRCh38, 1-based): chr1:74,354,113, G>T. VCF-style: chr1-74354113-G-T. GRCh37 (hg19) VCF-style: chr1-74819797-G-T.
Other names: c.1464G>T, p.Met488Ile (NM_001112808.3, NM_001199327.2); short protein forms M387I, M488I.
Identifiers: ClinVar variation 4714495 (VCV004714495.1).